The following is an entry in ClinVar:

NM_175914.5(HNF4A):c.590T>C (p.Leu197Pro)

Gene: HNF4A (hepatocyte nuclear factor 4 alpha; plus strand). Cytogenetic location: 20q13.12.
Variant type: single nucleotide variant.
Coding change: c.590T>C on transcript NM_175914.5 (MANE Select); coding-DNA position 590, T replaced by C.
Protein change: p.Leu197Pro; replaces leucine 197 with proline.
Molecular consequence: missense variant.
Genome position (GRCh38, 1-based): chr20:44,418,432, T>C. VCF-style: chr20-44418432-T-C. GRCh37 (hg19) VCF-style: chr20-43047072-T-C.
Other names: NM_175914.5(HNF4A):c.590T>C; p.Leu197Pro; c.656T>C, p.Leu219Pro (NM_000457.6, NM_178849.3, NM_178850.3); c.590T>C, p.Leu197Pro (NM_001030003.3, NM_001030004.3); c.581T>C, p.Leu194Pro (NM_001287184.2, NM_001287182.2, NM_001287183.2); c.635T>C, p.Leu212Pro (NM_001258355.2); short protein forms L194P, L197P, L219P, L212P.
Identifiers: ClinVar variation 447518 (VCV000447518.3), dbSNP rs1555816279, ClinGen allele CA409106752.
Genomic context (GRCh38, chr20:44,418,432, plus strand): 5'-GGGCAGCCTTCCCAAGGGTACAGATGGCAAACACTGTTCCTTCTCTCTTTCAGGTGGCCC[T>C]GCTCAGAGCCCATGCTGGCGAGCACCTGCTGCTCGGAGCCACCAAGAGATCCATGGTGTT-3'
Protein context (NP_787110.2, residues 187-207): CELPLDDQVA[Leu197Pro]LRAHAGEHLL

ClinVar aggregate classification (germline): Uncertain significance. Review status: reviewed by expert panel (3 of 4 stars). 3 submissions from 3 submitters: Uncertain significance (1). 2 of the submissions do not count toward it. Last evaluated 2023-12-25.

Conditions:
Monogenic diabetes. Identifiers: Orphanet 183625, MedGen C3888631, MONDO:0015967.
Maturity-onset diabetes of the young (MODY). Also called: Maturity onset diabetes mellitus in young. Identifiers: Orphanet 552, MedGen C0342276, MONDO:0018911, HP:0004904.

Submissions (3):

ClinGen Monogenic Diabetes Variant Curation Expert Panel
Classification: Uncertain significance for Monogenic diabetes. Last evaluated: 2023-12-25. Review status: reviewed by expert panel. Criteria: ClinGen Diabetes ACMG Specifications HNF4A V2.0.0. Collection method: curation. Allele origin: germline. Inheritance: Autosomal dominant inheritance.
Comment: The c.590T>C variant in the hepatic nuclear factor 4-alpha gene, HNF4A, causes an amino acid change of leucine to proline at codon 197 (p.(Leu197Pro)) of NM_175914.5. This variant is located within the ligand-binding domain (codons 180-220 and 300-350) of HNF4A, which is defined as critical for the protein’s function by the ClinGen MDEP (PM1_Supporting). This variant is predicted to be deleterious by computational evidence, with a REVEL score of 0.986, which is greater than the MDEP VCEP threshold of 0.70 (PP3). This variant is absent from gnomAD v2.1.1 (PM2_Supporting). In summary, c.590T>C meets the criteria to be classified as a variant of uncertain significance for monogenic diabetes. ACMG/AMP criteria applied, as specified by the ClinGen MDEP (specification version 2.0.0, approved 10/11/2023): PP3, PM1_Supporting, PM2_Supporting.

Athena Diagnostics
Classification: Uncertain significance. Last evaluated: 2016-11-25. Review status: criteria provided, single submitter. Criteria: Athena Diagnostics Criteria. Collection method: clinical testing. Allele origin: germline. Not counted in ClinVar's aggregate classification.

Clinical Genomics, Uppaluri K&H Personalized Medicine Clinic
Classification: Likely risk allele for Maturity-onset diabetes of the young. Review status: criteria provided, single submitter. Criteria: K & H Uppaluri Personalized Medicine Clinic Variant Classification & Assertion Criteria_Updated V.1. Collection method: research. Allele origin: unknown. Inheritance: Autosomal dominant inheritance. Not counted in ClinVar's aggregate classification.
Comment: Potent mutations in HNF4A are associated with poor insulin secretion in response to hyperglycemia. Associated with MODY1. Patients initially respond well to sulfonylureas but eventually become insulin dependent. However, more evidence is required to ascertain the role of this particular variant rs1555816279 in MODY, yet.

Literature cited by the submitters: PubMed 18268044 (cited by Clinical Genomics, Uppaluri K&H Personalized Medicine Clinic); PubMed 17563455 (cited by Clinical Genomics, Uppaluri K&H Personalized Medicine Clinic); PubMed 32583173 (cited by Clinical Genomics, Uppaluri K&H Personalized Medicine Clinic); PubMed 35052457 (cited by Clinical Genomics, Uppaluri K&H Personalized Medicine Clinic); PubMed 35118593 (cited by Clinical Genomics, Uppaluri K&H Personalized Medicine Clinic); DOI 10.1159/000334532 (cited by Clinical Genomics, Uppaluri K&H Personalized Medicine Clinic).